The following is an entry in ClinVar:

ClinVar aggregate classification (germline): Likely benign (0 of 4 stars; one submission).

Conditions:
SEMA7A-related disorder. Also called: SEMA7A-related condition.

Allele frequency attached by ClinVar (database versions not stated): 1000 Genomes Project 0.00020; ESP Exome Variant Server 0.00023; ExAC 0.00050; 1000 Genomes Project 30x 0.00062.
gnomAD v4.1: 383 of 1,612,786 alleles (0.024%); highest among the groups gnomAD compares: East Asian, 0.14%; no homozygotes.

Submission:

PreventionGenetics, part of Exact Sciences
Classification: Likely benign for SEMA7A-related condition. Last evaluated: 2019-02-21. Review status: no assertion criteria provided. Collection method: clinical testing. Allele origin: germline.
Comment: This variant is classified as likely benign based on ACMG/AMP sequence variant interpretation guidelines (Richards et al. 2015 PMID: 25741868, with internal and published modifications).

NM_003612.5(SEMA7A):c.525C>T (p.Asp175=)

Gene: SEMA7A (semaphorin 7A (JohnMiltonHagen blood group); minus strand). Cytogenetic location: 15q24.1.
Variant type: single nucleotide variant.
Coding change: c.525C>T on transcript NM_003612.5 (MANE Select); coding-DNA position 525, C replaced by T.
Protein change: p.Asp175=; no amino-acid change (aspartic acid 175 retained).
Molecular consequence: synonymous variant.
Genome position (GRCh38, 1-based): chr15:74,417,616, G>A on the plus strand (C>T on the coding strand, the complement: SEMA7A is on the minus strand). VCF-style: chr15-74417616-G-A. GRCh37 (hg19) VCF-style: chr15-74709957-G-A.
Other names: c.483C>T, p.Asp161= (NM_001146029.3); c.30C>T, p.Asp10= (NM_001146030.3).
Identifiers: ClinVar variation 3042393 (VCV003042393.2), dbSNP rs151192042, ClinGen allele CA7657218.